The following is an entry in ClinVar:

NM_000093.5(COL5A1):c.3643G>A (p.Glu1215Lys)

Gene: COL5A1 (collagen type V alpha 1 chain; plus strand). Cytogenetic location: 9q34.3.
Variant type: single nucleotide variant.
Coding change: c.3643G>A on transcript NM_000093.5 (MANE Select); coding-DNA position 3643, G replaced by A.
Protein change: p.Glu1215Lys; replaces glutamic acid 1215 with lysine.
Molecular consequence: missense variant.
Genome position (GRCh38, 1-based): chr9:134,811,552, G>A. VCF-style: chr9-134811552-G-A. GRCh37 (hg19) VCF-style: chr9-137703398-G-A.
Other names: c.3643G>A, p.Glu1215Lys (NM_001278074.1); short protein forms E1215K.
Identifiers: ClinVar variation 1524649 (VCV001524649.8), dbSNP rs2132845104, ClinGen allele CA375454192.

ClinVar aggregate classification (germline): Uncertain significance (1 of 4 stars; one submission).

Conditions:
Ehlers-Danlos syndrome, classic type, 1 (EDSCL1). Also called: EHLERS-DANLOS SYNDROME, GRAVIS TYPE; EHLERS-DANLOS SYNDROME, SEVERE CLASSIC TYPE; Ehlers-Danlos syndrome, type 1; Ehlers-Danlos Syndrome, Classic Type, COL5A1-Related; EDS I. Identifiers: MedGen C0268335, MONDO:0019567, OMIM 130000.

Submission:

Labcorp Genetics (formerly Invitae), Labcorp
Classification: Uncertain significance for Ehlers-Danlos syndrome, classic type, 1. Last evaluated: 2020-12-22. Review status: criteria provided, single submitter. Criteria: Invitae Variant Classification Sherloc (09022015). Collection method: clinical testing. Allele origin: germline.
Comment: In summary, the available evidence is currently insufficient to determine the role of this variant in disease. Therefore, it has been classified as a Variant of Uncertain Significance. Advanced modeling of protein sequence and biophysical properties (such as structural, functional, and spatial information, amino acid conservation, physicochemical variation, residue mobility, and thermodynamic stability) performed at Invitae indicates that this missense variant is not expected to disrupt COL5A1 protein function. This variant has not been reported in the literature in individuals with COL5A1-related conditions. This variant is not present in population databases (ExAC no frequency). This sequence change replaces glutamic acid with lysine at codon 1215 of the COL5A1 protein (p.Glu1215Lys). The glutamic acid residue is highly conserved and there is a small physicochemical difference between glutamic acid and lysine.